The following is an entry in ClinVar:

ClinVar aggregate classification (germline): Uncertain significance. Review status: criteria provided, multiple submitters, no conflicts (2 of 4 stars). 3 submissions from 3 submitters: Uncertain significance (3). Last evaluated 2026-03-27.

Conditions:
Nemaline myopathy 10 (NEM10). Identifiers: MedGen C4015360, MONDO:0014513, OMIM 616165.
Inborn genetic diseases. Identifiers: MedGen C0950123, MeSH D030342.

Allele frequency attached by ClinVar (database versions not stated): gnomAD 0.00007; 1000 Genomes Project 30x 0.00016; 1000 Genomes Project 0.00020; ExAC 0.00002; TOPMed 0.00009; gnomAD exomes 0.00001.
gnomAD v4.1: 23 of 1,613,984 alleles (0.0014%); highest among the groups gnomAD compares: African/African-American, 0.029%; no homozygotes.

Submissions (3):

GeneDx
Classification: Uncertain significance. Last evaluated: 2026-03-27. Review status: criteria provided, single submitter. Criteria: GeneDx Variant Classification Process June 2021. Collection method: clinical testing. Allele origin: germline.
Comment: In silico analysis supports that this missense variant has a deleterious effect on protein structure/function; Has not been previously published as pathogenic or benign to our knowledge

Ambry Genetics
Classification: Uncertain significance for Inborn genetic diseases. Last evaluated: 2025-08-08. Review status: criteria provided, single submitter. Criteria: Ambry Variant Classification Scheme 2023. Collection method: clinical testing. Allele origin: germline.

Labcorp Genetics (formerly Invitae), Labcorp
Classification: Uncertain significance for Nemaline myopathy 10. Last evaluated: 2022-05-22. Review status: criteria provided, single submitter. Criteria: Invitae Variant Classification Sherloc (09022015). Collection method: clinical testing. Allele origin: germline.
Comment: This sequence change replaces isoleucine, which is neutral and non-polar, with threonine, which is neutral and polar, at codon 327 of the LMOD3 protein (p.Ile327Thr). This variant is present in population databases (rs189374193, gnomAD 0.02%). This variant has not been reported in the literature in individuals affected with LMOD3-related conditions. Algorithms developed to predict the effect of missense changes on protein structure and function (SIFT, PolyPhen-2, Align-GVGD) all suggest that this variant is likely to be disruptive. In summary, the available evidence is currently insufficient to determine the role of this variant in disease. Therefore, it has been classified as a Variant of Uncertain Significance.

NM_198271.5(LMOD3):c.980T>C (p.Ile327Thr)

Gene: LMOD3 (leiomodin 3; minus strand). Cytogenetic location: 3p14.1.
Variant type: single nucleotide variant.
Coding change: c.980T>C on transcript NM_198271.5 (MANE Select); coding-DNA position 980, T replaced by C.
Protein change: p.Ile327Thr; replaces isoleucine 327 with threonine.
Molecular consequence: missense variant.
Genome position (GRCh38, 1-based): chr3:69,119,375, A>G on the plus strand (T>C on the coding strand, the complement: LMOD3 is on the minus strand). VCF-style: chr3-69119375-A-G. GRCh37 (hg19) VCF-style: chr3-69168526-A-G.
Other names: c.980T>C (NM_198271.3, NM_198271.4); c.980T>C, p.Ile327Thr (NM_001304418.3); short protein forms I327T.
Identifiers: ClinVar variation 2108549 (VCV002108549.3), dbSNP rs189374193, ClinGen allele CA2488882.